The following is an entry in ClinVar:

NM_014028.4(OSTM1):c.658G>A (p.Val220Ile)

Gene: OSTM1 (osteoclastogenesis associated transmembrane protein 1; minus strand). Cytogenetic location: 6q21.
Variant type: single nucleotide variant.
Coding change: c.658G>A on transcript NM_014028.4 (MANE Select); coding-DNA position 658, G replaced by A.
Protein change: p.Val220Ile; replaces valine 220 with isoleucine.
Molecular consequence: missense variant.
Genome position (GRCh38, 1-based): chr6:108,051,156, C>T on the plus strand (G>A on the coding strand, the complement: OSTM1 is on the minus strand). VCF-style: chr6-108051156-C-T. GRCh37 (hg19) VCF-style: chr6-108372360-C-T.
Other names: c.658G>A (NM_014028.3); short protein forms V220I.
Identifiers: ClinVar variation 1441350 (VCV001441350.5), dbSNP rs151132078, ClinGen allele CA3947987.

ClinVar aggregate classification (germline): Uncertain significance. Review status: criteria provided, multiple submitters, no conflicts (2 of 4 stars). 2 submissions from 2 submitters: Uncertain significance (2). Last evaluated 2024-04-15.

Conditions:
Inborn genetic diseases. Identifiers: MedGen C0950123, MeSH D030342.

Allele frequency attached by ClinVar (database versions not stated): gnomAD exomes 0.00008 and 0.00013; gnomAD 0.00009 and 0.00030; ExAC 0.00011; ESP Exome Variant Server 0.00015; TOPMed 0.00043.
gnomAD v4.1: 225 of 1,613,474 alleles (0.014%); highest among the groups gnomAD compares: Non-Finnish European, 0.016%; 1 homozygote.

Submissions (2):

Ambry Genetics
Classification: Uncertain significance for Inborn genetic diseases. Last evaluated: 2024-04-15. Review status: criteria provided, single submitter. Criteria: Ambry Variant Classification Scheme 2023. Collection method: clinical testing. Allele origin: germline.

Labcorp Genetics (formerly Invitae), Labcorp
Classification: Uncertain significance. Last evaluated: 2022-09-01. Review status: criteria provided, single submitter. Criteria: Invitae Variant Classification Sherloc (09022015). Collection method: clinical testing. Allele origin: germline.
Comment: This sequence change replaces valine, which is neutral and non-polar, with isoleucine, which is neutral and non-polar, at codon 220 of the OSTM1 protein (p.Val220Ile). This variant is present in population databases (rs151132078, gnomAD 0.02%). This variant has not been reported in the literature in individuals affected with OSTM1-related conditions. ClinVar contains an entry for this variant (Variation ID: 1441350). Algorithms developed to predict the effect of missense changes on protein structure and function are either unavailable or do not agree on the potential impact of this missense change (SIFT: "Tolerated"; PolyPhen-2: "Possibly Damaging"; Align-GVGD: "Class C0"). In summary, the available evidence is currently insufficient to determine the role of this variant in disease. Therefore, it has been classified as a Variant of Uncertain Significance.